The following is an entry in ClinVar:

ClinVar aggregate classification (germline): Uncertain significance (0 of 4 stars; one submission).

Conditions:
VPS53-related disorder. Also called: VPS53-related condition.

gnomAD v4.1: 62 of 1,609,030 alleles (0.0039%); highest among the groups gnomAD compares: Non-Finnish European, 0.0049%; no homozygotes.

Submission:

PreventionGenetics, part of Exact Sciences
Classification: Uncertain significance for VPS53-related condition. Last evaluated: 2024-04-05. Review status: no assertion criteria provided. Collection method: clinical testing. Allele origin: germline.
Comment: The VPS53 c.1321G>A variant is predicted to result in the amino acid substitution p.Gly441Arg. To our knowledge, this variant has not been reported in the literature. This variant is reported in 0.0055% of alleles in individuals of European (Non-Finnish) descent in gnomAD. At this time, the clinical significance of this variant is uncertain due to the absence of conclusive functional and genetic evidence.

NM_001128159.3(VPS53):c.1321G>A (p.Gly441Arg)

Gene: VPS53 (VPS53 subunit of GARP complex; minus strand). Cytogenetic location: 17p13.3.
Variant type: single nucleotide variant.
Coding change: c.1321G>A on transcript NM_001128159.3 (MANE Select); coding-DNA position 1321, G replaced by A.
Protein change: p.Gly441Arg; replaces glycine 441 with arginine.
Molecular consequence: missense variant.
Genome position (GRCh38, 1-based): chr17:562,738, C>T on the plus strand (G>A on the coding strand, the complement: VPS53 is on the minus strand). VCF-style: chr17-562738-C-T. GRCh37 (hg19) VCF-style: chr17-465978-C-T.
Other names: c.1321G>A, p.Gly441Arg (NM_001366253.2); c.727G>A, p.Gly243Arg (NM_001366254.2); c.1234G>A, p.Gly412Arg (NM_018289.4); short protein forms G243R, G412R, G441R.
Identifiers: ClinVar variation 3348505 (VCV003348505.1).